The following is an entry in ClinVar:

ClinVar aggregate classification (germline): Benign/Likely benign. Review status: criteria provided, multiple submitters, no conflicts (2 of 4 stars). 20 submissions from 20 submitters: Benign (9); Likely benign (5). 6 of the submissions do not count toward it. Last evaluated 2026-09-01.

Conditions:
FLNC-related disorder. Also called: FLNC-related condition; FLNC-related disorders.
Distal myopathy with posterior leg and anterior hand involvement. Also called: WILLIAMS DISTAL MYOPATHY. Identifiers: Orphanet 63273, MedGen C3279722, MONDO:0013550, OMIM 614065.
Hypertrophic cardiomyopathy 26. Also called: Cardiomyopathy, familial hypertrophic, 26. Identifiers: Orphanet 75249, MedGen C4310749, MONDO:0014883, OMIM 617047.
Myofibrillar myopathy 5. Also called: Filaminopathy (type); FILAMINOPATHY, AUTOSOMAL DOMINANT. Identifiers: Orphanet 171445, MedGen C1836050, MONDO:0012289, OMIM 609524.
Cardiovascular phenotype. Identifiers: MedGen CN230736.
Cardiomyopathy (CMYO). Also called: Cardiomyopathies. Identifiers: Orphanet 167848, MedGen C0878544, MONDO:0004994, HP:0001638. Inheritance: Various modes of inheritance.

Allele frequency attached by ClinVar (database versions not stated): 1000 Genomes Project 0.00220; 1000 Genomes Project 30x 0.00250; ESP Exome Variant Server 0.00459; gnomAD 0.00525 and 0.00536; ExAC 0.00535; gnomAD exomes 0.00536 and 0.00844; TOPMed 0.00536.

Submissions (20):

CeGaT Center for Human Genetics Tuebingen
Classification: Benign. Last evaluated: 2026-09-01. Review status: criteria provided, single submitter. Criteria: CeGaT Center For Human Genetics Tuebingen Variant Classification Criteria Version 2. Collection method: clinical testing. Allele origin: germline. Affected: yes. Observed: 61 variant alleles.
Comment: FLNC: BS1, BS2

Labcorp Genetics (formerly Invitae), Labcorp
Classification: Benign for Distal myopathy with posterior leg and anterior hand involvement; Myofibrillar myopathy 5; Hypertrophic cardiomyopathy 26. Last evaluated: 2026-02-04. Review status: criteria provided, single submitter. Criteria: Invitae Variant Classification Sherloc (09022015). Collection method: clinical testing. Allele origin: germline.

ARUP Laboratories, Molecular Genetics and Genomics, ARUP Laboratories
Classification: Benign. Last evaluated: 2025-05-28. Review status: criteria provided, single submitter. Criteria: ARUP Molecular Germline Variant Investigation Process 2024. Collection method: clinical testing. Allele origin: germline.

Molecular Diagnostic Laboratory for Inherited Cardiovascular Disease, Montreal Heart Institute
Classification: Likely benign. Last evaluated: 2025-04-09. Review status: criteria provided, single submitter. Criteria: ACMG Guidelines, 2015. Collection method: clinical testing. Allele origin: germline. Affected: no.

Blueprint Genetics
Classification: Likely benign. Last evaluated: 2024-11-27. Review status: criteria provided, single submitter. Criteria: ACMG Guidelines, 2015. Collection method: clinical testing. Allele origin: germline.

Mayo Clinic Laboratories, Mayo Clinic
Classification: Benign. Last evaluated: 2024-01-11. Review status: criteria provided, single submitter. Criteria: ACMG Guidelines, 2015. Collection method: clinical testing. Allele origin: germline. Observed: 25 variant alleles.
Comment: BS1, BS2, BP4

Women's Health and Genetics/Laboratory Corporation of America, LabCorp
Classification: Likely benign. Last evaluated: 2023-07-30. Review status: criteria provided, single submitter. Criteria: LabCorp Variant Classification Summary - May 2015. Collection method: clinical testing. Allele origin: germline.

Ambry Genetics
Classification: Likely benign for Cardiovascular phenotype. Last evaluated: 2023-05-17. Review status: criteria provided, single submitter. Criteria: Ambry Variant Classification Scheme 2023. Collection method: clinical testing. Allele origin: germline.

CHEO Genetics Diagnostic Laboratory, Children's Hospital of Eastern Ontario
Classification: Benign for Cardiomyopathy. Last evaluated: 2023-01-04. Review status: criteria provided, single submitter. Criteria: ACMG Guidelines, 2015. Collection method: clinical testing. Allele origin: germline.

Genetic Services Laboratory, University of Chicago
Classification: Benign. Last evaluated: 2020-05-06. Review status: criteria provided, single submitter. Criteria: ACMG Guidelines, 2015. Collection method: clinical testing. Allele origin: germline. Affected: no.

Athena Diagnostics
Classification: Benign. Last evaluated: 2018-11-07. Review status: criteria provided, single submitter. Criteria: Athena Diagnostics Criteria. Collection method: clinical testing. Allele origin: germline.

GeneDx
Classification: Benign. Last evaluated: 2016-02-29. Review status: criteria provided, single submitter. Criteria: GeneDx Variant Classification (06012015). Collection method: clinical testing. Allele origin: germline. Affected: yes.
Comment: This variant is considered likely benign or benign based on one or more of the following criteria: it is a conservative change, it occurs at a poorly conserved position in the protein, it is predicted to be benign by multiple in silico algorithms, and/or has population frequency not consistent with disease.

Eurofins Ntd Llc (ga)
Classification: Benign. Last evaluated: 2014-10-27. Review status: criteria provided, single submitter. Criteria: EGL Classification Definitions 2015. Collection method: clinical testing. Allele origin: germline. Observed: 1 variant allele, 1 heterozygote.

Breakthrough Genomics
Classification: Likely benign. Review status: criteria provided, single submitter. Criteria: ACMG Guidelines, 2015. Collection method: not provided. Allele origin: germline. Inheritance: Autosomal dominant inheritance. Affected: yes.

PreventionGenetics, part of Exact Sciences
Classification: Likely benign for FLNC-related condition. Last evaluated: 2019-05-09. Review status: no assertion criteria provided. Collection method: clinical testing. Allele origin: germline. Not counted in ClinVar's aggregate classification.
Comment: This variant is classified as likely benign based on ACMG/AMP sequence variant interpretation guidelines (Richards et al. 2015 PMID: 25741868, with internal and published modifications).

Clinical Genetics DNA and cytogenetics Diagnostics Lab, Erasmus MC, Erasmus Medical Center
Classification: Likely benign. Review status: no assertion criteria provided. Collection method: clinical testing. Allele origin: germline. Affected: yes. Study: VKGL Data-share Consensus. Not counted in ClinVar's aggregate classification.

Clinical Genetics, Academic Medical Center
Classification: Benign. Review status: no assertion criteria provided. Collection method: clinical testing. Allele origin: germline. Affected: yes. Study: VKGL Data-share Consensus. Not counted in ClinVar's aggregate classification.

Genome Diagnostics Laboratory, University Medical Center Utrecht
Classification: Likely benign. Review status: no assertion criteria provided. Collection method: clinical testing. Allele origin: germline. Affected: yes. Study: VKGL Data-share Consensus. Not counted in ClinVar's aggregate classification.

Joint Genome Diagnostic Labs from Nijmegen and Maastricht, Radboudumc and MUMC+
Classification: Benign. Review status: no assertion criteria provided. Collection method: clinical testing. Allele origin: germline. Affected: yes. Study: VKGL Data-share Consensus. Not counted in ClinVar's aggregate classification.

Laboratory of Diagnostic Genome Analysis, Leiden University Medical Center (LUMC)
Classification: Likely benign. Review status: no assertion criteria provided. Collection method: clinical testing. Allele origin: germline. Affected: yes. Study: VKGL Data-share Consensus. Not counted in ClinVar's aggregate classification.

Literature cited by the submitters: PubMed 25208129 (cited by Mayo Clinic Laboratories, Mayo Clinic); PubMed 25529940 (cited by Mayo Clinic Laboratories, Mayo Clinic); PubMed 28008999 (cited by Mayo Clinic Laboratories, Mayo Clinic).

NM_001458.5(FLNC):c.5578C>T (p.Arg1860Cys)

Genes: FLNC (filamin C; plus strand), FLNC-AS1 (FLNC antisense RNA 1; minus strand). Cytogenetic location: 7q32.1.
Variant type: single nucleotide variant.
Coding change: c.5578C>T on transcript NM_001458.5 (MANE Select); coding-DNA position 5578, C replaced by T.
Protein change: p.Arg1860Cys; replaces arginine 1860 with cysteine.
Molecular consequence: missense variant.
Genome position (GRCh38, 1-based): chr7:128,851,270, C>T. VCF-style: chr7-128851270-C-T. GRCh37 (hg19) VCF-style: chr7-128491324-C-T.
Other names: p.Arg1860Cys; c.5479C>T, p.Arg1827Cys (NM_001127487.2); short protein forms R1860C, R1827C.
Identifiers: ClinVar variation 196888 (VCV000196888.71), dbSNP rs181067717, ClinGen allele CA202624.
Genomic context (GRCh38, chr7:128,851,270, plus strand): 5'-CCCTTTTTCTCTGTATCCCCAGGGAGCCCCTTACAGTTCTATGTGGATGCCATCAACAGC[C>T]GCCATGTCAGTGCCTATGGGCCAGGCCTGAGCCATGGCATGGTCAACAAGCCAGCCACCT-3'
Protein context (NP_001449.3, residues 1850-1870): LQFYVDAINS[Arg1860Cys]HVSAYGPGLS